The following is an entry in ClinVar:

NM_017841.4(SDHAF2):c.141_147delinsAATT (p.Met47_Glu49delinsIleIle)

Gene: SDHAF2 (succinate dehydrogenase complex assembly factor 2; plus strand). Cytogenetic location: 11q12.2.
Variant type: Indel.
Coding change: c.141_147delinsAATT on transcript NM_017841.4 (MANE Select); coding-DNA positions 141 to 147, GATTGAA replaced by AATT.
Protein change: p.Met47_Glu49delinsIleIle.
Molecular consequence: inframe indel.
Genome position (GRCh38, 1-based): chr11:61,437,729-61,437,735, GATTGAA replaced by AATT. VCF-style: chr11-61437729-GATTGAA-AATT. GRCh37 (hg19) VCF-style: chr11-61205201-GATTGAA-AATT.
Identifiers: ClinVar variation 5029247 (VCV005029247.1).

ClinVar aggregate classification (germline): Uncertain significance (1 of 4 stars; one submission).

Conditions:
Hereditary cancer-predisposing syndrome. Also called: Neoplastic Syndromes, Hereditary; Tumor predisposition; Hereditary neoplastic syndrome; Hereditary Cancer Syndrome. Identifiers: Orphanet 140162, MedGen C0027672, MeSH D009386, MONDO:0015356.

Submission:

Ambry Genetics
Classification: Uncertain significance for Hereditary cancer-predisposing syndrome. Last evaluated: 2026-07-16. Review status: criteria provided, single submitter. Criteria: Ambry Variant Classification Scheme 2023. Collection method: clinical testing. Allele origin: germline.
Comment: The c.141_147delGATTGAAinsAATT variant (also known as p.M47_E49delinsII), located in coding exon 2 of the SDHAF2 gene, results from an in-frame deletion of GATTGAA and insertion of AATT at nucleotide positions 141 to 147. This results in the substitution of the methionine, isoleucine, and glutamic acid residues for two isoleucine residues starting at codon 47. This nucleotide region is well conserved in available vertebrate species. This amino acid region is not well conserved in available vertebrate species. In silico splice site analysis for this alteration is inconclusive, and direct evidence is insufficient at this time (Ambry internal data). Based on the available evidence, the clinical significance of this variant remains unclear.